The following is an entry in ClinVar:

NM_001171.6(ABCC6):c.3907G>C (p.Ala1303Pro)

Gene: ABCC6 (ATP binding cassette subfamily C member 6; minus strand). Cytogenetic location: 16p13.11.
Variant type: single nucleotide variant.
Coding change: c.3907G>C on transcript NM_001171.6 (MANE Select); coding-DNA position 3907, G replaced by C.
Protein change: p.Ala1303Pro; replaces alanine 1303 with proline.
Molecular consequence: missense variant. On other transcripts: non-coding transcript variant (1).
Genome position (GRCh38, 1-based): chr16:16,155,007, C>G on the plus strand (G>C on the coding strand, the complement: ABCC6 is on the minus strand). VCF-style: chr16-16155007-C-G. GRCh37 (hg19) VCF-style: chr16-16248864-C-G.
Other names: c.3565G>C, p.Ala1189Pro (NM_001351800.1); short protein forms A1303P, A1189P.
Identifiers: ClinVar variation 433335 (VCV000433335.10), dbSNP rs63750410, ClinGen allele CA7925374.
Genomic context (GRCh38, chr16:16,155,007, plus strand): 5'-TCCCACCCTCAGCTGCCTCCTGGAGCCGCAGCAGCCCACTGGCCAGGGAGGACTTCCCTG[C>G]CCCGGTCCTGCCAACGATGCCCACCTGCCCGGGGTTGGGAGGAAAGGCCTGCTCTGACCA-3'
Protein context (NP_001162.5, residues 1293-1313): EKVGIVGRTG[Ala1303Pro]GKSSLASGLL

ClinVar aggregate classification (germline): Pathogenic/Likely pathogenic. Review status: criteria provided, multiple submitters, no conflicts (2 of 4 stars). 4 submissions from 4 submitters: Pathogenic (1); Likely pathogenic (2). 1 of the submissions does not count toward it. Last evaluated 2026-03-06.

Conditions:
ABCC6-related disorder. Also called: ABCC6-related condition.
Autosomal recessive inherited pseudoxanthoma elasticum (PXE). Identifiers: Orphanet 758, MedGen CN032334, MONDO:0009925, OMIM 264800.

Allele frequency attached by ClinVar (database versions not stated): TOPMed 0.00001; gnomAD 0.00002.
gnomAD v4.1: 30 of 1,562,484 alleles (0.0019%); highest among the groups gnomAD compares: Non-Finnish European, 0.0025%; no homozygotes.

Submissions (4):

PreventionGenetics, part of Exact Sciences
Classification: Likely pathogenic for ABCC6-related condition. Last evaluated: 2026-03-06. Review status: criteria provided, single submitter. Criteria: ACMG Guidelines, 2015. Collection method: clinical testing. Allele origin: germline.
Comment: The ABCC6 c.3907G>C variant is predicted to result in the amino acid substitution p.Ala1303Pro. This variant has been reported in the compound heterozygous or homozygous state in individuals with pseudoxanthoma elasticum (see for example: Le Saux et al. 2001. PubMed ID: 11536079; Table S2, Turro et al. 2020. PubMed ID: 32581362; Supplementary tables 1 and 8, Verschuere et al. 2020. PubMed ID: 32873932). This variant is reported in 0.0015% of alleles in individuals of European (Non-Finnish) descent in gnomAD. This variant is interpreted as likely pathogenic.

Labcorp Genetics (formerly Invitae), Labcorp
Classification: Pathogenic. Last evaluated: 2024-08-05. Review status: criteria provided, single submitter. Criteria: Invitae Variant Classification Sherloc (09022015). Collection method: clinical testing. Allele origin: germline.
Comment: This sequence change replaces alanine, which is neutral and non-polar, with proline, which is neutral and non-polar, at codon 1303 of the ABCC6 protein (p.Ala1303Pro). The frequency data for this variant in the population databases is considered unreliable, as metrics indicate poor data quality at this position in the gnomAD database. This missense change has been observed in individual(s) with pseudoxanthoma elasticum (PMID: 12673275, 16086317, 18157818). In at least one individual the data is consistent with being in trans (on the opposite chromosome) from a pathogenic variant. ClinVar contains an entry for this variant (Variation ID: 433335). Advanced modeling of protein sequence and biophysical properties (such as structural, functional, and spatial information, amino acid conservation, physicochemical variation, residue mobility, and thermodynamic stability) performed at Invitae indicates that this missense variant is expected to disrupt ABCC6 protein function with a positive predictive value of 95%. For these reasons, this variant has been classified as Pathogenic.

Blueprint Genetics
Classification: Likely pathogenic for ABCC6-related disorders. Last evaluated: 2023-03-23. Review status: criteria provided, single submitter. Criteria: ACMG Guidelines, 2015. Collection method: clinical testing. Allele origin: germline. Affected: yes. Observed: 5 variant alleles.

PXE International
Classification: Pathogenic for Autosomal recessive inherited pseudoxanthoma elasticum. Last evaluated: 2021-03-01. Review status: no assertion criteria provided. Collection method: research. Allele origin: germline. Inheritance: Autosomal recessive inheritance. Affected: yes. Observed: 4 variant alleles. Clinical features observed: Papule (HP:0200034), Skin plaque (HP:0200035), Angioid streaks (HP:0001102), Weak or absent arterial pulse, Myocardial infarction (HP:0001658), Retinal hemorrhage (HP:0000573), Intermittent claudication (HP:0004417), Angina pectoris (HP:0001681), Abnormal EKG (HP:0003115). Not counted in ClinVar's aggregate classification.

Literature cited by the submitters: PubMed 12673275 (cited by Labcorp Genetics (formerly Invitae), Labcorp); PubMed 16086317 (cited by Labcorp Genetics (formerly Invitae), Labcorp); PubMed 18157818 (cited by Labcorp Genetics (formerly Invitae), Labcorp); PubMed 32873932 (cited by PXE International).